The following is an entry in ClinVar:

NM_014629.4(ARHGEF10):c.1396G>C (p.Glu466Gln)

Gene: ARHGEF10 (Rho guanine nucleotide exchange factor 10; plus strand). Cytogenetic location: 8p23.3.
Variant type: single nucleotide variant.
Coding change: c.1396G>C on transcript NM_014629.4 (MANE Select); coding-DNA position 1396, G replaced by C.
Protein change: p.Glu466Gln; replaces glutamic acid 466 with glutamine.
Molecular consequence: missense variant.
Genome position (GRCh38, 1-based): chr8:1,894,528, G>C. VCF-style: chr8-1894528-G-C. GRCh37 (hg19) VCF-style: chr8-1842694-G-C.
Other names: c.1282G>C, p.Glu428Gln (NM_001308152.2, NM_001438092.1, NM_001438094.1); c.1399G>C, p.Glu467Gln (NM_001308153.3, NM_001438091.1); c.1279G>C, p.Glu427Gln (NM_001438093.1); short protein forms E467Q, E491Q, E428Q, E466Q, E427Q.
Identifiers: ClinVar variation 4642539 (VCV004642539.2).

ClinVar aggregate classification (germline): Uncertain significance. Review status: criteria provided, multiple submitters, no conflicts (2 of 4 stars). 2 submissions from 2 submitters: Uncertain significance (2). Last evaluated 2025-12-04.

gnomAD v4.1: 36 of 1,614,056 alleles (0.0022%); highest among the groups gnomAD compares: Non-Finnish European, 0.0028%; no homozygotes.

Submissions (2):

Labcorp Genetics (formerly Invitae), Labcorp
Classification: Uncertain significance. Last evaluated: 2025-12-04. Review status: criteria provided, single submitter. Criteria: Invitae Variant Classification Sherloc (09022015). Collection method: clinical testing. Allele origin: germline.
Comment: This sequence change replaces glutamic acid, which is acidic and polar, with glutamine, which is neutral and polar, at codon 466 of the ARHGEF10 protein (p.Glu466Gln). This variant is present in population databases (no rsID available, gnomAD 0.007%). This variant has not been reported in the literature in individuals affected with ARHGEF10-related conditions. Invitae Evidence Modeling of protein sequence and biophysical properties (such as structural, functional, and spatial information, amino acid conservation, physicochemical variation, residue mobility, and thermodynamic stability) indicates that this missense variant is not expected to disrupt ARHGEF10 protein function with a negative predictive value of 80%. In summary, the available evidence is currently insufficient to determine the role of this variant in disease. Therefore, it has been classified as a Variant of Uncertain Significance.

Ambry Genetics
Classification: Uncertain significance. Last evaluated: 2025-10-22. Review status: criteria provided, single submitter. Criteria: Ambry Variant Classification Scheme 2023. Collection method: clinical testing. Allele origin: germline.